The following is an entry in ClinVar:

NM_006017.3(PROM1):c.2281-2A>G

Gene: PROM1 (prominin 1; minus strand). Cytogenetic location: 4p15.32.
Variant type: single nucleotide variant.
Coding change: c.2281-2A>G on transcript NM_006017.3 (MANE Select); the canonical splice acceptor site of the intron before coding-DNA position 2281, A replaced by G.
Molecular consequence: splice acceptor variant.
Genome position (GRCh38, 1-based): chr4:15,984,357, T>C on the plus strand (A>G on the coding strand, the complement: PROM1 is on the minus strand). VCF-style: chr4-15984357-T-C. GRCh37 (hg19) VCF-style: chr4-15985980-T-C.
Other names: c.2254-2A>G (NM_001145848.2, NM_001145852.2, NM_001145847.2 and 4 more transcripts); c.2281-2A>G (NM_001145850.2, NM_001145849.2).
Identifiers: ClinVar variation 965934 (VCV000965934.10), dbSNP rs1718768311, ClinGen allele CA356427279.
Genomic context (GRCh38, chr4:15,984,357, plus strand): 5'-TCAACAGCAGTATCTAGAGCGGTGGCCACAGGTTTGCACGATGCCACTTTCTCACTGATC[T>C]AGGGGGGTGGAAACACAGGGAAACTTTGAGCTGCATCCACAAAAACCCAAAGGAATGAGA-3'

ClinVar aggregate classification (germline): Likely pathogenic (1 of 4 stars; one submission).

Conditions:
Retinal macular dystrophy type 2 (MCDR2). Also called: Bull's eye macular dystrophy. Identifiers: Orphanet 319640, MedGen C4749334, MONDO:0011957, OMIM 608051.
Retinitis pigmentosa 41 (RP41). Also called: RETINAL DEGENERATION, AUTOSOMAL RECESSIVE, PROMININ-RELATED. Identifiers: Orphanet 791, MedGen C2677516, MONDO:0012796, OMIM 612095.

Allele frequency attached by ClinVar (database versions not stated): gnomAD exomes 0.00001.
gnomAD v4.1: 19 of 1,567,216 alleles (0.0012%); highest among the groups gnomAD compares: Non-Finnish European, 0.0016%; no homozygotes.

Submission:

Labcorp Genetics (formerly Invitae), Labcorp
Classification: Likely pathogenic. Last evaluated: 2019-10-05. Review status: criteria provided, single submitter. Criteria: Invitae Variant Classification Sherloc (09022015). Collection method: clinical testing. Allele origin: germline.
Comment: This sequence change affects an acceptor splice site in intron 21 of the PROM1 gene. It is expected to disrupt RNA splicing and likely results in an absent or disrupted protein product. This variant is not present in population databases (ExAC no frequency). This variant has not been reported in the literature in individuals with PROM1-related conditions. Algorithms developed to predict the effect of sequence changes on RNA splicing suggest that this variant may disrupt the consensus splice site, but this prediction has not been confirmed by published transcriptional studies. Donor and acceptor splice site variants typically lead to a loss of protein function (PMID: 16199547), and loss-of-function variants in PROM1 are known to be pathogenic (PMID: 17605048, 19718270, 24154662). In summary, the currently available evidence indicates that the variant is pathogenic, but additional data are needed to prove that conclusively. Therefore, this variant has been classified as Likely Pathogenic.

Literature cited by the submitters: PubMed 16199547 (cited by Labcorp Genetics (formerly Invitae), Labcorp); PubMed 17605048 (cited by Labcorp Genetics (formerly Invitae), Labcorp); PubMed 19718270 (cited by Labcorp Genetics (formerly Invitae), Labcorp); PubMed 24154662 (cited by Labcorp Genetics (formerly Invitae), Labcorp).